The following is an entry in ClinVar:

ClinVar aggregate classification (germline): Benign. Review status: criteria provided, multiple submitters, no conflicts (2 of 4 stars). 10 submissions from 10 submitters: Benign (6). 4 of the submissions do not count toward it. Last evaluated 2026-02-01.

Conditions:
LAMA2-related muscular dystrophy (LAMA2-RD). Also called: Laminin alpha 2-related dystrophy. Identifiers: MedGen C5679788, MONDO:0100228.
Congenital muscular dystrophy due to partial LAMA2 deficiency. Identifiers: MedGen C1842898.

Allele frequency attached by ClinVar (database versions not stated): 1000 Genomes Project 30x 0.01936; gnomAD exomes 0.00176 and 0.00436; ExAC 0.00510; gnomAD 0.01601 and 0.01727; TOPMed 0.01606; ESP Exome Variant Server 0.01661; 1000 Genomes Project 0.01717.
gnomAD v4.1: 5,132 of 1,614,160 alleles (0.32%); highest among the groups gnomAD compares: African/African-American, 5.2%; 101 homozygotes.

Submissions (10):

Labcorp Genetics (formerly Invitae), Labcorp
Classification: Benign for LAMA2-related muscular dystrophy. Last evaluated: 2026-02-01. Review status: criteria provided, single submitter. Criteria: Invitae Variant Classification Sherloc (09022015). Collection method: clinical testing. Allele origin: germline.

Mayo Clinic Laboratories, Mayo Clinic
Classification: Benign. Last evaluated: 2018-10-12. Review status: criteria provided, single submitter. Criteria: ACMG Guidelines, 2015. Collection method: clinical testing. Allele origin: germline. Observed: 26 variant alleles.

Illumina Laboratory Services, Illumina
Classification: Benign for Congenital muscular dystrophy due to partial LAMA2 deficiency. Last evaluated: 2018-01-13. Review status: criteria provided, single submitter. Criteria: ICSL Variant Classification Criteria 13 December 2019. Collection method: clinical testing. Allele origin: germline.
Comment: This variant was observed in the ICSL laboratory as part of a predisposition screen in an ostensibly healthy population. It had not been previously curated by ICSL or reported in the Human Gene Mutation Database (HGMD: prior to June 1st, 2018), and was therefore a candidate for classification through an automated scoring system. Utilizing variant allele frequency, disease prevalence and penetrance estimates, and inheritance mode, an automated score was calculated to assess if this variant is too frequent to cause the disease. Based on the score and internal cut-off values, a variant classified as benign is not then subjected to further curation. The score for this variant resulted in a classification of benign for this disease.

GeneDx
Classification: Benign. Last evaluated: 2016-07-08. Review status: criteria provided, single submitter. Criteria: GeneDx Variant Classification (06012015). Collection method: clinical testing. Allele origin: germline. Affected: yes.
Comment: This variant is considered likely benign or benign based on one or more of the following criteria: it is a conservative change, it occurs at a poorly conserved position in the protein, it is predicted to be benign by multiple in silico algorithms, and/or has population frequency not consistent with disease.

Eurofins Ntd Llc (ga)
Classification: Benign. Last evaluated: 2016-06-01. Review status: criteria provided, single submitter. Criteria: EGL Classification Definitions 2015. Collection method: clinical testing. Allele origin: germline. Observed: 3 variant alleles, 3 heterozygotes.

PreventionGenetics, part of Exact Sciences
Classification: Benign. Review status: criteria provided, single submitter. Criteria: ACMG Guidelines, 2015. Collection method: clinical testing. Allele origin: germline.

Clinical Genetics, Academic Medical Center
Classification: Benign. Review status: no assertion criteria provided. Collection method: clinical testing. Allele origin: germline. Affected: yes. Study: VKGL Data-share Consensus. Not counted in ClinVar's aggregate classification.

Genetic Services Laboratory, University of Chicago
Classification: Likely benign for AllHighlyPenetrant. Review status: no assertion criteria provided. Collection method: clinical testing. Allele origin: germline. Inheritance: Autosomal recessive inheritance. Not counted in ClinVar's aggregate classification.
Comment: Likely benign based on allele frequency in 1000 Genomes Project or ESP global frequency and its presence in a patient with a rare or unrelated disease phenotype. NOT Sanger confirmed.

Joint Genome Diagnostic Labs from Nijmegen and Maastricht, Radboudumc and MUMC+
Classification: Benign. Review status: no assertion criteria provided. Collection method: clinical testing. Allele origin: germline. Affected: yes. Study: VKGL Data-share Consensus. Not counted in ClinVar's aggregate classification.

Laboratory of Diagnostic Genome Analysis, Leiden University Medical Center (LUMC)
Classification: Likely benign. Review status: no assertion criteria provided. Collection method: clinical testing. Allele origin: germline. Affected: yes. Study: VKGL Data-share Consensus. Not counted in ClinVar's aggregate classification.

NM_000426.4(LAMA2):c.8124T>A (p.Gly2708=)

Gene: LAMA2 (laminin subunit alpha 2; plus strand). Cytogenetic location: 6q22.33.
Variant type: single nucleotide variant.
Coding change: c.8124T>A on transcript NM_000426.4 (MANE Select); coding-DNA position 8124, T replaced by A.
Protein change: p.Gly2708=; no amino-acid change (glycine 2708 retained).
Molecular consequence: synonymous variant.
Genome position (GRCh38, 1-based): chr6:129,492,363, T>A. VCF-style: chr6-129492363-T-A. GRCh37 (hg19) VCF-style: chr6-129813508-T-A.
Other names: p.Gly2708=; c.8112T>A, p.Gly2704= (NM_001079823.2).
Identifiers: ClinVar variation 129444 (VCV000129444.30), dbSNP rs34997144, ClinGen allele CA153454.